The following is an entry in ClinVar:

NM_000090.4(COL3A1):c.2999T>G (p.Leu1000Arg)

Gene: COL3A1 (collagen type III alpha 1 chain; plus strand). Cytogenetic location: 2q32.2.
Variant type: single nucleotide variant.
Coding change: c.2999T>G on transcript NM_000090.4 (MANE Select); coding-DNA position 2999, T replaced by G.
Protein change: p.Leu1000Arg; replaces leucine 1000 with arginine.
Molecular consequence: missense variant.
Genome position (GRCh38, 1-based): chr2:189,005,417, T>G. VCF-style: chr2-189005417-T-G. GRCh37 (hg19) VCF-style: chr2-189870143-T-G.
Other names: short protein forms L1000R.
Identifiers: ClinVar variation 4759010 (VCV004759010.1).
Genomic context (GRCh38, chr2:189,005,417, plus strand): 5'-GTGGGAAACCAGGAGCTAACGGTCTCAGTGGAGAACGTGGTCCCCCTGGACCCCAGGGTC[T>G]TCCTGGTCTGGCTGGTACAGCTGGTGAACCTGGAAGAGATGTGAGTAGCAGTTTTTATTC-3'
Protein context (NP_000081.2, residues 990-1010): GERGPPGPQG[Leu1000Arg]PGLAGTAGEP

ClinVar aggregate classification (germline): Uncertain significance (1 of 4 stars; one submission).

Conditions:
Familial thoracic aortic aneurysm and aortic dissection (TAAD). Also called: Thoracic aortic aneurysms and dissections. Identifiers: Orphanet 91387, MedGen C4707243, MONDO:0019625.

Submission:

Color Diagnostics, LLC DBA Color Health
Classification: Uncertain significance for Familial thoracic aortic aneurysm and aortic dissection. Last evaluated: 2025-07-20. Review status: criteria provided, single submitter. Criteria: ACMG Guidelines, 2015. Collection method: clinical testing. Allele origin: germline.
Comment: This missense variant replaces leucine with arginine at codon 1000 of the COL3A1 protein. Computational prediction suggests that this variant may not impact protein structure and function. To our knowledge, functional studies have not been reported for this variant. This variant has not been reported in individuals affected with COL3A1-related disorders in the literature. This variant has not been identified in the general population by the Genome Aggregation Database (gnomAD). The available evidence is insufficient to determine the role of this variant in disease conclusively. Therefore, this variant is classified as a Variant of Uncertain Significance.